The following is an entry in ClinVar:

NM_018060.4(IARS2):c.2266G>C (p.Asp756His)

Gene: IARS2 (isoleucyl-tRNA synthetase 2, mitochondrial; plus strand). Cytogenetic location: 1q41.
Variant type: single nucleotide variant.
Coding change: c.2266G>C on transcript NM_018060.4 (MANE Select); coding-DNA position 2266, G replaced by C.
Protein change: p.Asp756His; replaces aspartic acid 756 with histidine.
Molecular consequence: missense variant.
Genome position (GRCh38, 1-based): chr1:220,139,098, G>C. VCF-style: chr1-220139098-G-C. GRCh37 (hg19) VCF-style: chr1-220312440-G-C.
Other names: short protein forms D756H.
Identifiers: ClinVar variation 1304658 (VCV001304658.2), dbSNP rs2102840131, ClinGen allele CA344615000.

ClinVar aggregate classification (germline): Uncertain significance (1 of 4 stars; one submission).

Submission:

GeneDx
Classification: Uncertain significance. Last evaluated: 2019-10-16. Review status: criteria provided, single submitter. Criteria: GeneDx Variant Classification Process June 2021. Collection method: clinical testing. Allele origin: germline. Affected: yes.
Comment: Not observed in large population cohorts (Lek et al., 2016); In silico analysis, which includes protein predictors and evolutionary conservation, supports a deleterious effect; Has not been previously published as pathogenic or benign to our knowledge